The following is an entry in ClinVar:

ClinVar aggregate classification (germline): Uncertain significance. Review status: criteria provided, multiple submitters, no conflicts (2 of 4 stars). 2 submissions from 2 submitters: Uncertain significance (2). Last evaluated 2024-05-27.

Conditions:
Action myoclonus-renal failure syndrome. Also called: MYOCLONUS-NEPHROPATHY SYNDROME; SCARB2-Related Action Myoclonus-Renal Failure Syndrome; EPILEPSY, PROGRESSIVE MYOCLONIC, 4, WITH RENAL FAILURE; EPILEPSY, PROGRESSIVE MYOCLONIC, 4, WITHOUT RENAL FAILURE. Identifiers: Orphanet 163696, MedGen C0751779, MeSH D020191, MONDO:0009699, OMIM 254900.
Progressive myoclonic epilepsy. Also called: Familial progressive myoclonic epilepsy; Myoclonic Epilepsies, Progressive; Progressive myoclonus epilepsy; Myoclonus epilepsy. Identifiers: Orphanet 308, Orphanet 98261, MedGen C0751778, MONDO:0020074.

Allele frequency attached by ClinVar (database versions not stated): gnomAD exomes below 0.00001.
gnomAD v4.1: 2 of 1,614,036 alleles (0.00012%); highest among the groups gnomAD compares: Admixed American, 0.0033%; no homozygotes.

Submissions (2):

Fulgent Genetics
Classification: Uncertain significance for Action myoclonus-renal failure syndrome. Last evaluated: 2024-05-27. Review status: criteria provided, single submitter. Criteria: ACMG Guidelines, 2015. Collection method: clinical testing. Allele origin: germline.

Labcorp Genetics (formerly Invitae), Labcorp
Classification: Uncertain significance for Progressive myoclonic epilepsy. Last evaluated: 2022-11-30. Review status: criteria provided, single submitter. Criteria: Invitae Variant Classification Sherloc (09022015). Collection method: clinical testing. Allele origin: germline.
Comment: Variants that disrupt the consensus splice site are a relatively common cause of aberrant splicing (PMID: 17576681, 9536098). Algorithms developed to predict the effect of sequence changes on RNA splicing suggest that this variant is not likely to affect RNA splicing. ClinVar contains an entry for this variant (Variation ID: 1438345). This variant has not been reported in the literature in individuals affected with SCARB2-related conditions. This variant is present in population databases (no rsID available, gnomAD 0.003%). This sequence change falls in intron 9 of the SCARB2 gene. It does not directly change the encoded amino acid sequence of the SCARB2 protein. It affects a nucleotide within the consensus splice site. In summary, the available evidence is currently insufficient to determine the role of this variant in disease. Therefore, it has been classified as a Variant of Uncertain Significance.

Literature cited by the submitters: PubMed 17576681 (cited by Labcorp Genetics (formerly Invitae), Labcorp); PubMed 9536098 (cited by Labcorp Genetics (formerly Invitae), Labcorp).

NM_005506.4(SCARB2):c.1188-3T>C

Gene: SCARB2 (scavenger receptor class B member 2; minus strand). Cytogenetic location: 4q21.1.
Variant type: single nucleotide variant.
Coding change: c.1188-3T>C on transcript NM_005506.4 (MANE Select); 3 bases into the intron before coding-DNA position 1188, T replaced by C.
Molecular consequence: intron variant.
Genome position (GRCh38, 1-based): chr4:76,166,304, A>G on the plus strand (T>C on the coding strand, the complement: SCARB2 is on the minus strand). VCF-style: chr4-76166304-A-G. GRCh37 (hg19) VCF-style: chr4-77087457-A-G.
Other names: c.759-3T>C (NM_001204255.2).
Identifiers: ClinVar variation 1438345 (VCV001438345.6), dbSNP rs1251392642, ClinGen allele CA552354061.
Genomic context (GRCh38, chr4:76,166,304, plus strand): 5'-ACTTACCTCATTGAGGTACATCACTGGGAAAACCATGGTTCTAATGTCTCCCGTTTCACT[A>G]CAAAGACAAAGGATGAGATTGTTTCAGAAACATCCTCATCACAATGGCACACTTTCCCGG-3'